The following is an entry in ClinVar:

NM_000399.5(EGR2):c.115T>C (p.Phe39Leu)

Gene: EGR2 (early growth response 2; minus strand). Cytogenetic location: 10q21.3.
Variant type: single nucleotide variant.
Coding change: c.115T>C on transcript NM_000399.5 (MANE Select); coding-DNA position 115, T replaced by C.
Protein change: p.Phe39Leu; replaces phenylalanine 39 with leucine.
Molecular consequence: missense variant. On other transcripts: 5 prime UTR variant (2).
Genome position (GRCh38, 1-based): chr10:62,815,915, A>G on the plus strand (T>C on the coding strand, the complement: EGR2 is on the minus strand). VCF-style: chr10-62815915-A-G. GRCh37 (hg19) VCF-style: chr10-64575675-A-G.
Other names: c.115T>C, p.Phe39Leu (NM_001136177.3, NM_001136178.2); c.-36T>C (NM_001136179.3, NM_001321037.2); short protein forms F39L.
Identifiers: ClinVar variation 860140 (VCV000860140.9), dbSNP rs369477396, ClinGen allele CA5517337.

ClinVar aggregate classification (germline): Uncertain significance (1 of 4 stars; one submission).

Conditions:
Charcot-Marie-Tooth disease, type I (CMT1). Also called: Charcot-Marie-Tooth disease type 1; Charcot-Marie-Tooth, Type 1. Identifiers: Orphanet 65753, MedGen C0751036, MONDO:0019011.

Allele frequency attached by ClinVar (database versions not stated): gnomAD exomes below 0.00001 and 0.00001; ExAC 0.00001; TOPMed 0.00001; ESP Exome Variant Server 0.00008.
gnomAD v4.1: 3 of 1,614,194 alleles (0.00019%); highest among the groups gnomAD compares: Non-Finnish European, 0.00025%; no homozygotes.

Submission:

Labcorp Genetics (formerly Invitae), Labcorp
Classification: Uncertain significance for Charcot-Marie-Tooth disease, type I. Last evaluated: 2024-12-24. Review status: criteria provided, single submitter. Criteria: Invitae Variant Classification Sherloc (09022015). Collection method: clinical testing. Allele origin: germline.
Comment: This sequence change replaces phenylalanine, which is neutral and non-polar, with leucine, which is neutral and non-polar, at codon 39 of the EGR2 protein (p.Phe39Leu). This variant is present in population databases (rs369477396, gnomAD 0.0009%). This variant has not been reported in the literature in individuals affected with EGR2-related conditions. ClinVar contains an entry for this variant (Variation ID: 860140). Invitae Evidence Modeling of protein sequence and biophysical properties (such as structural, functional, and spatial information, amino acid conservation, physicochemical variation, residue mobility, and thermodynamic stability) has been performed for this missense variant. However, the output from this modeling did not meet the statistical confidence thresholds required to predict the impact of this variant on EGR2 protein function. In summary, the available evidence is currently insufficient to determine the role of this variant in disease. Therefore, it has been classified as a Variant of Uncertain Significance.